The following is an entry in ClinVar:

ClinVar aggregate classification (germline): Likely benign. Review status: criteria provided, multiple submitters, no conflicts (2 of 4 stars). 3 submissions from 3 submitters: Likely benign (3). Last evaluated 2025-12-11.

Conditions:
Autosomal dominant nonsyndromic hearing loss 20. Identifiers: Orphanet 90635, MedGen C1858172, MONDO:0011480, OMIM 604717.
Baraitser-winter syndrome 2. Identifiers: Orphanet 2995, MedGen C3281235, MONDO:0013812, OMIM 614583.

Allele frequency attached by ClinVar (database versions not stated): TOPMed 0.00002; ExAC 0.00005; ESP Exome Variant Server 0.00008.
gnomAD v4.1: 68 of 1,613,758 alleles (0.0042%); highest among the groups gnomAD compares: Non-Finnish European, 0.0053%; no homozygotes.

Submissions (3):

Labcorp Genetics (formerly Invitae), Labcorp
Classification: Likely benign for Baraitser-winter syndrome 2; Autosomal dominant nonsyndromic hearing loss 20. Last evaluated: 2025-12-11. Review status: criteria provided, single submitter. Criteria: Invitae Variant Classification Sherloc (09022015). Collection method: clinical testing. Allele origin: germline.

Blueprint Genetics
Classification: Likely benign. Last evaluated: 2024-11-11. Review status: criteria provided, single submitter. Criteria: ACMG Guidelines, 2015. Collection method: clinical testing. Allele origin: germline.

GeneDx
Classification: Likely benign. Last evaluated: 2017-08-04. Review status: criteria provided, single submitter. Criteria: GeneDx Variant Classification (06012015). Collection method: clinical testing. Allele origin: germline. Affected: yes.
Comment: This variant is considered likely benign or benign based on one or more of the following criteria: it is a conservative change, it occurs at a poorly conserved position in the protein, it is predicted to be benign by multiple in silico algorithms, and/or has population frequency not consistent with disease.

NM_001614.5(ACTG1):c.803-20G>A

Gene: ACTG1 (actin gamma 1; minus strand). Cytogenetic location: 17q25.3.
Variant type: single nucleotide variant.
Coding change: c.803-20G>A on transcript NM_001614.5 (MANE Select); 20 bases into the intron before coding-DNA position 803, G replaced by A.
Molecular consequence: intron variant.
Genome position (GRCh38, 1-based): chr17:81,511,128, C>T on the plus strand (G>A on the coding strand, the complement: ACTG1 is on the minus strand). VCF-style: chr17-81511128-C-T. GRCh37 (hg19) VCF-style: chr17-79478154-C-T.
Other names: c.803-20G>A (NM_001199954.3).
Identifiers: ClinVar variation 511212 (VCV000511212.9), dbSNP rs374821448, ClinGen allele CA8835949.